The following is an entry in ClinVar:

NM_033337.3(CAV3):c.201C>A (p.Val67=)

Genes: OXTR (oxytocin receptor; minus strand), CAV3 (caveolin 3; plus strand). Cytogenetic location: 3p25.3.
Variant type: single nucleotide variant.
Coding change: c.201C>A on transcript NM_033337.3 (MANE Select); coding-DNA position 201, C replaced by A.
Protein change: p.Val67=; no amino-acid change (valine 67 retained).
Molecular consequence: synonymous variant.
Genome position (GRCh38, 1-based): chr3:8,745,612, C>A. VCF-style: chr3-8745612-C-A. GRCh37 (hg19) VCF-style: chr3-8787298-C-A.
Other names: p.V67V:GTC>GTA; p.Val67=; c.201C>A, p.Val67= (NM_001234.5).
Identifiers: ClinVar variation 136659 (VCV000136659.74), dbSNP rs201593267, ClinGen allele CA184483.
Genomic context (GRCh38, chr3:8,745,612, plus strand): 5'-GCCTGTGGGCACCTACAGCTTTGACGGCGTGTGGAAGGTGAGCTACACCACCTTCACTGT[C>A]TCCAAGTACTGGTGCTACCGTCTGTTGTCCACGCTGCTGGGCGTCCCACTGGCCCTGCTC-3'
Protein context (NP_203123.1, residues 57-77): VWKVSYTTFT[Val67=]SKYWCYRLLS

ClinVar aggregate classification (germline): Conflicting classifications of pathogenicity. Review status: criteria provided, conflicting classifications (1 of 4 stars). 14 submissions from 14 submitters: Uncertain significance (1); Benign (3); Likely benign (7). 3 of the submissions do not count toward it. Last evaluated 2026-02-01.

Conditions:
Cardiovascular phenotype. Identifiers: MedGen CN230736.
Caveolinopathy. Identifiers: Orphanet 207078, MedGen C5679790, MONDO:0016146.
Long QT syndrome (LQTS). Identifiers: MedGen C0023976, MeSH D008133, MONDO:0002442. Disease mechanism: loss of function. Inheritance: Various modes of inheritance.

Allele frequency attached by ClinVar (database versions not stated): TOPMed 0.00003; gnomAD 0.00004; gnomAD exomes 0.00004 and 0.00005; ExAC 0.00005.
gnomAD v4.1: 73 of 1,613,984 alleles (0.0045%); highest among the groups gnomAD compares: Middle Eastern, 0.48%; 2 homozygotes.

Submissions (14):

Labcorp Genetics (formerly Invitae), Labcorp
Classification: Likely benign for Long QT syndrome. Last evaluated: 2026-02-01. Review status: criteria provided, single submitter. Criteria: Invitae Variant Classification Sherloc (09022015). Collection method: clinical testing. Allele origin: germline.

Mayo Clinic Laboratories, Mayo Clinic
Classification: Likely benign. Last evaluated: 2024-11-25. Review status: criteria provided, single submitter. Criteria: ACMG Guidelines, 2015. Collection method: clinical testing. Allele origin: germline. Observed: 3 variant alleles.
Comment: BP4, BP7

Blueprint Genetics
Classification: Likely benign. Last evaluated: 2024-10-23. Review status: criteria provided, single submitter. Criteria: ACMG Guidelines, 2015. Collection method: clinical testing. Allele origin: germline.

Women's Health and Genetics/Laboratory Corporation of America, LabCorp
Classification: Benign. Last evaluated: 2023-04-04. Review status: criteria provided, single submitter. Criteria: LabCorp Variant Classification Summary - May 2015. Collection method: clinical testing. Allele origin: germline.

Ambry Genetics
Classification: Likely benign for Cardiovascular phenotype. Last evaluated: 2020-10-06. Review status: criteria provided, single submitter. Criteria: Ambry Variant Classification Scheme 2023. Collection method: clinical testing. Allele origin: germline.

Illumina Laboratory Services, Illumina
Classification: Benign for Caveolinopathy. Last evaluated: 2018-03-26. Review status: criteria provided, single submitter. Criteria: ICSL Variant Classification Criteria 13 December 2019. Collection method: clinical testing. Allele origin: germline.
Comment: This variant was observed in the ICSL laboratory as part of a predisposition screen in an ostensibly healthy population. It had not been previously curated by ICSL or reported in the Human Gene Mutation Database (HGMD: prior to June 1st, 2018), and was therefore a candidate for classification through an automated scoring system. Utilizing variant allele frequency, disease prevalence and penetrance estimates, and inheritance mode, an automated score was calculated to assess if this variant is too frequent to cause the disease. Based on the score and internal cut-off values, a variant classified as benign is not then subjected to further curation. The score for this variant resulted in a classification of benign for this disease.

Eurofins Ntd Llc (ga)
Classification: Uncertain significance. Last evaluated: 2018-01-19. Review status: criteria provided, single submitter. Criteria: EGL Classification Definitions 2015. Collection method: clinical testing. Allele origin: germline. Observed: 4 variant alleles, 4 heterozygotes.

CeGaT Center for Human Genetics Tuebingen
Classification: Likely benign. Last evaluated: 2017-04-01. Review status: criteria provided, single submitter. Criteria: CeGaT Center For Human Genetics Tuebingen Variant Classification Criteria Version 2. Collection method: clinical testing. Allele origin: germline. Affected: yes. Observed: 1 variant allele.

Laboratory for Molecular Medicine, Mass General Brigham Personalized Medicine
Classification: Likely benign. Last evaluated: 2013-12-03. Review status: criteria provided, single submitter. Criteria: LMM Criteria. Collection method: clinical testing. Allele origin: germline. Observed: 1 variant allele.
Comment: Val67Val in exon 2 of CAV3: This variant is not expected to have clinical signif icance because it does not alter an amino acid residue and is not located within the splice consensus sequence. Val67Val in exon 2 of CAV3 (allele frequency = n/a)

GeneDx
Classification: Benign. Last evaluated: 2013-05-16. Review status: criteria provided, single submitter. Criteria: GeneDx Variant Classification (06012015). Collection method: clinical testing. Allele origin: germline. Affected: yes.
Comment: This variant is considered likely benign or benign based on one or more of the following criteria: it is a conservative change, it occurs at a poorly conserved position in the protein, it is predicted to be benign by multiple in silico algorithms, and/or has population frequency not consistent with disease.

PreventionGenetics, part of Exact Sciences
Classification: Likely benign. Review status: criteria provided, single submitter. Criteria: ACMG Guidelines, 2015. Collection method: clinical testing. Allele origin: germline.

Clinical Genetics DNA and cytogenetics Diagnostics Lab, Erasmus MC, Erasmus Medical Center
Classification: Likely benign. Review status: no assertion criteria provided. Collection method: clinical testing. Allele origin: germline. Affected: yes. Study: VKGL Data-share Consensus. Not counted in ClinVar's aggregate classification.

Genome Diagnostics Laboratory, University Medical Center Utrecht
Classification: Likely benign. Review status: no assertion criteria provided. Collection method: clinical testing. Allele origin: germline. Affected: yes. Study: VKGL Data-share Consensus. Not counted in ClinVar's aggregate classification.

Joint Genome Diagnostic Labs from Nijmegen and Maastricht, Radboudumc and MUMC+
Classification: Likely benign. Review status: no assertion criteria provided. Collection method: clinical testing. Allele origin: germline. Affected: yes. Study: VKGL Data-share Consensus. Not counted in ClinVar's aggregate classification.